The following is an entry in ClinVar:

NM_004132.5(HABP2):c.740+7T>A

Gene: HABP2 (hyaluronan binding protein 2; plus strand). Cytogenetic location: 10q25.3.
Variant type: single nucleotide variant.
Coding change: c.740+7T>A on transcript NM_004132.5 (MANE Select); 7 bases into the intron after coding-DNA position 740, T replaced by A.
Molecular consequence: intron variant.
Genome position (GRCh38, 1-based): chr10:113,578,805, T>A. VCF-style: chr10-113578805-T-A. GRCh37 (hg19) VCF-style: chr10-115338564-T-A.
Other names: c.662+7T>A (NM_001177660.3); c.740+7T>A (NM_004132.4).
Identifiers: ClinVar variation 879435 (VCV000879435.6), dbSNP rs184372424, ClinGen allele CA5693740.

ClinVar aggregate classification (germline): Likely benign. Review status: criteria provided, single submitter (1 of 4 stars). 2 submissions from 2 submitters: Likely benign (1). 1 of the submissions does not count toward it. Last evaluated 2018-01-13.

Conditions:
Factor VII-activating protease marburg I. Identifiers: MedGen CN068943.
HABP2-related disorder. Also called: HABP2-related condition.

Allele frequency attached by ClinVar (database versions not stated): gnomAD exomes 0.00016 and 0.00045; ExAC 0.00051; gnomAD 0.00195 and 0.00208; 1000 Genomes Project 0.00200; TOPMed 0.00227; ESP Exome Variant Server 0.00231; 1000 Genomes Project 30x 0.00250.
gnomAD v4.1: 540 of 1,571,840 alleles (0.034%); highest among the groups gnomAD compares: African/African-American, 0.65%; 5 homozygotes.

Submissions (2):

Illumina Laboratory Services, Illumina
Classification: Likely benign for Factor VII Marburg I Variant Thrombophilia. Last evaluated: 2018-01-13. Review status: criteria provided, single submitter. Criteria: ICSL Variant Classification Criteria 13 December 2019. Collection method: clinical testing. Allele origin: germline.
Comment: This variant was observed in the ICSL laboratory as part of a predisposition screen in an ostensibly healthy population. It had not been previously curated by ICSL or reported in the Human Gene Mutation Database (HGMD: prior to June 1st, 2018), and was therefore a candidate for classification through an automated scoring system. Utilizing variant allele frequency, disease prevalence and penetrance estimates, and inheritance mode, an automated score was calculated to assess if this variant is too frequent to cause the disease. Based on the score and internal cut-off values, a variant classified as likely benign is not then subjected to further curation. The score for this variant resulted in a classification of likely benign for this disease.

PreventionGenetics, part of Exact Sciences
Classification: Likely benign for HABP2-related condition. Last evaluated: 2019-03-15. Review status: no assertion criteria provided. Collection method: clinical testing. Allele origin: germline. Not counted in ClinVar's aggregate classification.
Comment: This variant is classified as likely benign based on ACMG/AMP sequence variant interpretation guidelines (Richards et al. 2015 PMID: 25741868, with internal and published modifications).